The following is an entry in ClinVar:

NM_004370.6(COL12A1):c.5339T>C (p.Val1780Ala)

Gene: COL12A1 (collagen type XII alpha 1 chain; minus strand). Cytogenetic location: 6q13.
Variant type: single nucleotide variant.
Coding change: c.5339T>C on transcript NM_004370.6 (MANE Select); coding-DNA position 5339, T replaced by C.
Protein change: p.Val1780Ala; replaces valine 1780 with alanine.
Molecular consequence: missense variant.
Genome position (GRCh38, 1-based): chr6:75,137,492, A>G on the plus strand (T>C on the coding strand, the complement: COL12A1 is on the minus strand). VCF-style: chr6-75137492-A-G. GRCh37 (hg19) VCF-style: chr6-75847208-A-G.
Other names: c.5339T>C, p.Val1780Ala (NM_001424113.1); c.5318T>C, p.Val1773Ala (NM_001424114.1); c.5066T>C, p.Val1689Ala (NM_001424115.1); c.1847T>C, p.Val616Ala (NM_001424116.1, NM_080645.3); short protein forms V1689A, V1773A, V1780A, V616A.
Identifiers: ClinVar variation 2635419 (VCV002635419.4), dbSNP rs772041053, ClinGen allele CA3893161.

ClinVar aggregate classification (germline): Uncertain significance. Review status: criteria provided, multiple submitters, no conflicts (2 of 4 stars). 3 submissions from 3 submitters: Uncertain significance (3). Last evaluated 2026-09-01.

Conditions:
Ullrich congenital muscular dystrophy 2 (UCMD2). Identifiers: Orphanet 75840, MedGen C4225314, MONDO:0014654, OMIM 616470.
Bethlem myopathy 2 (BTHLM2). Identifiers: Orphanet 536516, Orphanet 610, MedGen C4225313, MONDO:0034022, OMIM 616471.
COL12A1-related disorder. Also called: COL12A1-related condition.

Allele frequency attached by ClinVar (database versions not stated): ExAC 0.00001; gnomAD 0.00001; gnomAD exomes 0.00001; TOPMed 0.00001.
gnomAD v4.1: 16 of 1,613,708 alleles (0.00099%); highest among the groups gnomAD compares: Non-Finnish European, 0.0012%; no homozygotes.

Submissions (3):

CeGaT Center for Human Genetics Tuebingen
Classification: Uncertain significance. Last evaluated: 2026-09-01. Review status: criteria provided, single submitter. Criteria: CeGaT Center For Human Genetics Tuebingen Variant Classification Criteria Version 2. Collection method: clinical testing. Allele origin: germline. Affected: yes. Observed: 1 variant allele.
Comment: COL12A1: PM2

PreventionGenetics, part of Exact Sciences
Classification: Uncertain significance for COL12A1-related condition. Last evaluated: 2025-04-09. Review status: criteria provided, single submitter. Criteria: ACMG Guidelines, 2015. Collection method: clinical testing. Allele origin: germline.
Comment: The COL12A1 c.5339T>C variant is predicted to result in the amino acid substitution p.Val1780Ala. To our knowledge, this variant has not been reported in the literature. This variant is reported in 0.0016% of alleles in individuals of European (Non-Finnish) descent in gnomAD. At this time, the clinical significance of this variant is uncertain due to the absence of conclusive functional and genetic evidence.

Fulgent Genetics
Classification: Uncertain significance for Ullrich congenital muscular dystrophy 2; Bethlem myopathy 2. Last evaluated: 2024-03-20. Review status: criteria provided, single submitter. Criteria: ACMG Guidelines, 2015. Collection method: clinical testing. Allele origin: germline.